The following is an entry in ClinVar:

NC_000017.10:g.(?_722659)_(729338_?)del

Gene: NXN (nucleoredoxin; minus strand). Cytogenetic location: 17p13.3.
Variant type: Deletion.
Identifiers: ClinVar variation 1448547 (VCV001448547.5).

ClinVar aggregate classification (germline): Pathogenic (1 of 4 stars; one submission).

Submission:

Labcorp Genetics (formerly Invitae), Labcorp
Classification: Pathogenic. Last evaluated: 2022-09-19. Review status: criteria provided, single submitter. Criteria: Invitae Variant Classification Sherloc (09022015). Collection method: clinical testing. Allele origin: germline.
Comment: For these reasons, this variant has been classified as Pathogenic. This variant has not been reported in the literature in individuals affected with NXN-related conditions. This variant is a gross deletion of the genomic region encompassing exon(s) 2-5 of the NXN gene. This deletion is out-of-frame, and is expected to create a premature termination codon and result in an absent or disrupted protein product. Loss-of-function variants in NXN are known to be pathogenic (PMID: 29276006, 33048444).

Literature cited by the submitters: PubMed 29276006; PubMed 33048444.